The following is an entry in ClinVar:

NM_003476.5(CSRP3):c.414+1G>C

Gene: CSRP3 (cysteine and glycine rich protein 3; minus strand). Cytogenetic location: 11p15.1.
Variant type: single nucleotide variant.
Coding change: c.414+1G>C on transcript NM_003476.5 (MANE Select); the canonical splice donor site of the intron after coding-DNA position 414, G replaced by C.
Molecular consequence: splice donor variant.
Genome position (GRCh38, 1-based): chr11:19,186,215, C>G on the plus strand (G>C on the coding strand, the complement: CSRP3 is on the minus strand). VCF-style: chr11-19186215-C-G. GRCh37 (hg19) VCF-style: chr11-19207762-C-G.
Other names: c.245+1G>C (NM_001369404.1).
Identifiers: ClinVar variation 3763020 (VCV003763020.2).
Genomic context (GRCh38, chr11:19,186,215, plus strand): 5'-TCCTCCCAAATGGCCTGGTGGAGATGAGCAAATTCTGTCTGGCTCATACAGAAGGTCTTA[C>G]CTTGCCACCTCCCATAACCTTCTCAGCAGCATAGACTGACTTGCCACATCGAGGGCACTT-3'

ClinVar aggregate classification (germline): Likely pathogenic (1 of 4 stars; one submission).

Conditions:
Dilated cardiomyopathy 1M (CMD1M). Identifiers: Orphanet 154, MedGen C1843808, MONDO:0011840, OMIM 607482.
Hypertrophic cardiomyopathy 12. Identifiers: MedGen C2677491, MONDO:0012804, OMIM 612124.

gnomAD v4.1: 4 of 1,614,184 alleles (0.00025%); highest among the groups gnomAD compares: Non-Finnish European, 0.00034%; no homozygotes.

Submission:

Labcorp Genetics (formerly Invitae), Labcorp
Classification: Likely pathogenic for Hypertrophic cardiomyopathy 12; Dilated cardiomyopathy 1M. Last evaluated: 2024-06-25. Review status: criteria provided, single submitter. Criteria: Invitae Variant Classification Sherloc (09022015). Collection method: clinical testing. Allele origin: germline.
Comment: This sequence change affects a donor splice site in intron 5 of the CSRP3 gene. It is expected to disrupt RNA splicing. Variants that disrupt the donor or acceptor splice site typically lead to a loss of protein function (PMID: 16199547), and loss-of-function variants in CSRP3 are known to be pathogenic (PMID: 12642359, 14567970, 16352453, 20087448, 34558151). This variant is not present in population databases (gnomAD no frequency). This variant has not been reported in the literature in individuals affected with CSRP3-related conditions. Algorithms developed to predict the effect of sequence changes on RNA splicing suggest that this variant may disrupt the consensus splice site. In summary, the currently available evidence indicates that the variant is pathogenic, but additional data are needed to prove that conclusively. Therefore, this variant has been classified as Likely Pathogenic.

Literature cited by the submitters: PubMed 16199547; PubMed 12642359; PubMed 14567970; PubMed 16352453; PubMed 20087448; PubMed 34558151.